The following is an entry in ClinVar:

ClinVar aggregate classification (germline): Pathogenic (1 of 4 stars; one submission).

Conditions:
Spastic paraplegia. Identifiers: MedGen C0037772, HP:0001258.

gnomAD v4.1: 1 of 1,614,152 alleles (0.000062%); highest among the groups gnomAD compares: Non-Finnish European, 0.000085%; no homozygotes.

Submission:

Labcorp Genetics (formerly Invitae), Labcorp
Classification: Pathogenic for Spastic paraplegia. Last evaluated: 2023-04-29. Review status: criteria provided, single submitter. Criteria: Invitae Variant Classification Sherloc (09022015). Collection method: clinical testing. Allele origin: germline.
Comment: For these reasons, this variant has been classified as Pathogenic. This variant has not been reported in the literature in individuals affected with ZFYVE26-related conditions. This variant is present in population databases (rs759913777, gnomAD 0.0009%). This sequence change creates a premature translational stop signal (p.Gln129*) in the ZFYVE26 gene. It is expected to result in an absent or disrupted protein product. Loss-of-function variants in ZFYVE26 are known to be pathogenic (PMID: 18394578, 19805727).

Literature cited by the submitters: PubMed 18394578; PubMed 19805727.

NM_015346.4(ZFYVE26):c.385C>T (p.Gln129Ter)

Gene: ZFYVE26 (zinc finger FYVE-type containing 26; minus strand). Cytogenetic location: 14q24.1.
Variant type: single nucleotide variant.
Coding change: c.385C>T on transcript NM_015346.4 (MANE Select); coding-DNA position 385, C replaced by T.
Protein change: p.Gln129Ter; replaces glutamine 129 with a stop codon.
Molecular consequence: nonsense.
Genome position (GRCh38, 1-based): chr14:67,807,899, G>A on the plus strand (C>T on the coding strand, the complement: ZFYVE26 is on the minus strand). VCF-style: chr14-67807899-G-A. GRCh37 (hg19) VCF-style: chr14-68274616-G-A.
Other names: short protein forms Q129*.
Identifiers: ClinVar variation 2976781 (VCV002976781.3), dbSNP rs759913777, ClinGen allele CA7240799.